The following is an entry in ClinVar:

NM_144643.4(SCLT1):c.2018C>T (p.Thr673Ile)

Gene: SCLT1 (sodium channel and clathrin linker 1; minus strand). Cytogenetic location: 4q28.2.
Variant type: single nucleotide variant.
Coding change: c.2018C>T on transcript NM_144643.4 (MANE Select); coding-DNA position 2018, C replaced by T.
Protein change: p.Thr673Ile; replaces threonine 673 with isoleucine.
Molecular consequence: missense variant.
Genome position (GRCh38, 1-based): chr4:128,884,526, G>A on the plus strand (C>T on the coding strand, the complement: SCLT1 is on the minus strand). VCF-style: chr4-128884526-G-A. GRCh37 (hg19) VCF-style: chr4-129805681-G-A.
Other names: short protein forms T673I.
Identifiers: ClinVar variation 4995736 (VCV004995736.1).

ClinVar aggregate classification (germline): Uncertain significance (1 of 4 stars; one submission).

Conditions:
SCLT1-related disorder. Also called: SCLT1-related condition.

gnomAD v4.1: 7 of 1,598,952 alleles (0.00044%); highest among the groups gnomAD compares: South Asian, 0.0011%; no homozygotes.

Submission:

PreventionGenetics, part of Exact Sciences
Classification: Uncertain significance for SCLT1-related condition. Last evaluated: 2026-03-05. Review status: criteria provided, single submitter. Criteria: ACMG Guidelines, 2015. Collection method: clinical testing. Allele origin: germline.
Comment: The SCLT1 c.2018C>T variant is predicted to result in the amino acid substitution p.Thr673Ile. To our knowledge, this variant has not been reported in the literature. This variant is reported in 0.0033% of alleles in individuals of South Asian descent in gnomAD. At this time, the clinical significance of this variant is uncertain due to the absence of conclusive functional and genetic evidence.